The following is an entry in ClinVar:

ClinVar aggregate classification (germline): Likely pathogenic (1 of 4 stars; one submission).

Conditions:
Familial intrahepatic cholestasis. Identifiers: Orphanet 284385, MedGen CN296401, MONDO:0017290.

Submission:

Genomenon, Inc
Classification: Likely pathogenic for Familial intrahepatic cholestasis. Last evaluated: 2026-04-14. Review status: criteria provided, single submitter. Criteria: Genomenon Sequence Variant Interpretation Standards - Updated. Collection method: curation. Allele origin: germline. Affected: yes.
Comment: ABCB4 p.Ser346Ile (c.1037G>T) is a missense variant that changes the amino acid at residue 346 from Serine to Isoleucine. This variant has been observed in at least one proband with an ABCB4-related disorder (PMID:11313315;15841457). At least one functional study has demonstrated a substantial alteration in protein function relative to the wild-type (PMID:41274965;26474921). It is absent or not present at a significant frequency in gnomAD. In silico models predict that this variant is possibly or probably damaging. In conclusion, we classify ABCB4 p.Ser346Ile (c.1037G>T) as a likely pathogenic variant.

Literature cited by the submitters: PubMed 11313315; PubMed 15841457; PubMed 41274965; PubMed 26474921.

NM_000443.4(ABCB4):c.1037G>T (p.Ser346Ile)

Gene: ABCB4 (ATP binding cassette subfamily B member 4; minus strand). Cytogenetic location: 7q21.12.
Variant type: single nucleotide variant.
Coding change: c.1037G>T on transcript NM_000443.4 (MANE Select); coding-DNA position 1037, G replaced by T.
Protein change: p.Ser346Ile; replaces serine 346 with isoleucine.
Molecular consequence: missense variant.
Genome position (GRCh38, 1-based): chr7:87,444,944, C>A on the plus strand (G>T on the coding strand, the complement: ABCB4 is on the minus strand). VCF-style: chr7-87444944-C-A. GRCh37 (hg19) VCF-style: chr7-87074260-C-A.
Other names: c.1037G>T, p.Ser346Ile (NM_018849.3, NM_018850.3); short protein forms S346I.
Identifiers: ClinVar variation 4846620 (VCV004846620.1).